The following is an entry in ClinVar:

ClinVar aggregate classification (germline): Pathogenic (1 of 4 stars; one submission).

Conditions:
Hereditary spastic paraplegia 7 (SPG7). Also called: SPG7-related neurologic disorder; Autosomal recessive spastic paraplegia type 7; SPASTIC PARAPLEGIA 7, AUTOSOMAL RECESSIVE, WITH OR WITHOUT CEREBELLAR ATAXIA; Spastic paraplegia 7; Hereditary spastic paraplegia Paraplegin type. Identifiers: Orphanet 99013, MedGen C1846564, MONDO:0011803, OMIM 607259.

Submission:

Labcorp Genetics (formerly Invitae), Labcorp
Classification: Pathogenic for Spastic paraplegia 7. Last evaluated: 2019-11-08. Review status: criteria provided, single submitter. Criteria: Invitae Variant Classification Sherloc (09022015). Collection method: clinical testing. Allele origin: germline.
Comment: This variant is an out-of-frame deletion of the genomic region encompassing exons 2-3 of the SPG7 gene. This is expected to create a premature translational stop signal and result in an absent or disrupted protein product. This variant has been observed in individual(s) with clinical features of hereditary spastic paraplegia (Invitae). Loss-of-function variants in SPG7 are known to be pathogenic (PMID: 21623769, 22964162). For these reasons, this variant has been classified as Pathogenic.

NC_000016.10:g.(?_89510480)_(89513047_?)del

Gene: SPG7 (SPG7 matrix AAA peptidase subunit, paraplegin; plus strand). Cytogenetic location: 16q24.3.
Variant type: Deletion.
Identifiers: ClinVar variation 831061 (VCV000831061.1).